The following is an entry in ClinVar:

ClinVar aggregate classification (germline): Uncertain significance (1 of 4 stars; one submission).

Submission:

Labcorp Genetics (formerly Invitae), Labcorp
Classification: Uncertain significance. Last evaluated: 2024-04-08. Review status: criteria provided, single submitter. Criteria: Invitae Variant Classification Sherloc (09022015). Collection method: clinical testing. Allele origin: germline.
Comment: This sequence change replaces isoleucine, which is neutral and non-polar, with asparagine, which is neutral and polar, at codon 1024 of the CACNA2D4 protein (p.Ile1024Asn). This variant is not present in population databases (gnomAD no frequency). This variant has not been reported in the literature in individuals affected with CACNA2D4-related conditions. An algorithm developed to predict the effect of missense changes on protein structure and function (PolyPhen-2) suggests that this variant is likely to be disruptive. In summary, the available evidence is currently insufficient to determine the role of this variant in disease. Therefore, it has been classified as a Variant of Uncertain Significance.

NM_172364.5(CACNA2D4):c.3071T>A (p.Ile1024Asn)

Gene: CACNA2D4 (calcium voltage-gated channel auxiliary subunit alpha2delta 4; minus strand). Cytogenetic location: 12p13.33.
Variant type: single nucleotide variant.
Coding change: c.3071T>A on transcript NM_172364.5 (MANE Select); coding-DNA position 3071, T replaced by A.
Protein change: p.Ile1024Asn; replaces isoleucine 1024 with asparagine.
Molecular consequence: missense variant.
Genome position (GRCh38, 1-based): chr12:1,797,460, A>T on the plus strand (T>A on the coding strand, the complement: CACNA2D4 is on the minus strand). VCF-style: chr12-1797460-A-T. GRCh37 (hg19) VCF-style: chr12-1906626-A-T.
Other names: short protein forms I1024N.
Identifiers: ClinVar variation 3649194 (VCV003649194.2).